The following is an entry in ClinVar:

ClinVar aggregate classification (germline): Uncertain significance (1 of 4 stars; one submission).

Conditions:
Developmental and epileptic encephalopathy, 31A. Also called: Developmental and epileptic encephalopathy, 31; Epileptic encephalopathy, early infantile, 31. Identifiers: Orphanet 2382, MedGen C4225357, MONDO:0014598, OMIM 616346.

gnomAD v4.1: 3 of 1,614,248 alleles (0.00019%); highest among the groups gnomAD compares: Non-Finnish European, 0.00025%; no homozygotes.

Submission:

Labcorp Genetics (formerly Invitae), Labcorp
Classification: Uncertain significance for Developmental and epileptic encephalopathy, 31A. Last evaluated: 2024-06-13. Review status: criteria provided, single submitter. Criteria: Invitae Variant Classification Sherloc (09022015). Collection method: clinical testing. Allele origin: germline.
Comment: This sequence change replaces phenylalanine, which is neutral and non-polar, with leucine, which is neutral and non-polar, at codon 258 of the DNM1 protein (p.Phe258Leu). This variant is present in population databases (no rsID available, gnomAD 0.0009%). This variant has not been reported in the literature in individuals affected with DNM1-related conditions. Advanced modeling of protein sequence and biophysical properties (such as structural, functional, and spatial information, amino acid conservation, physicochemical variation, residue mobility, and thermodynamic stability) performed at Invitae indicates that this missense variant is expected to disrupt DNM1 protein function with a positive predictive value of 80%. In summary, the available evidence is currently insufficient to determine the role of this variant in disease. Therefore, it has been classified as a Variant of Uncertain Significance.

NM_004408.4(DNM1):c.774C>A (p.Phe258Leu)

Gene: DNM1 (dynamin 1; plus strand). Cytogenetic location: 9q34.11.
Variant type: single nucleotide variant.
Coding change: c.774C>A on transcript NM_004408.4 (MANE Select); coding-DNA position 774, C replaced by A.
Protein change: p.Phe258Leu; replaces phenylalanine 258 with leucine.
Molecular consequence: missense variant.
Genome position (GRCh38, 1-based): chr9:128,220,266, C>A. VCF-style: chr9-128220266-C-A. GRCh37 (hg19) VCF-style: chr9-130982545-C-A.
Other names: c.774C>A, p.Phe258Leu (NM_001005336.3, NM_001288737.2, NM_001288738.2 and 2 more transcripts); short protein forms F258L.
Identifiers: ClinVar variation 3677933 (VCV003677933.2).